The following is an entry in ClinVar:

ClinVar aggregate classification (germline): Uncertain significance (1 of 4 stars; one submission).

Conditions:
Immunodeficiency. Identifiers: MedGen C0021051, MONDO:0021094, HP:0002721.

Submission:

Labcorp Genetics (formerly Invitae), Labcorp
Classification: Uncertain significance for Immunodeficiency. Last evaluated: 2022-05-17. Review status: criteria provided, single submitter. Criteria: Invitae Variant Classification Sherloc (09022015). Collection method: clinical testing. Allele origin: germline.
Comment: Algorithms developed to predict the effect of missense changes on protein structure and function output the following: SIFT: "Tolerated"; PolyPhen-2: "Benign"; Align-GVGD: "Class C0". The threonine amino acid residue is found in multiple mammalian species, which suggests that this missense change does not adversely affect protein function. In summary, the available evidence is currently insufficient to determine the role of this variant in disease. Therefore, it has been classified as a Variant of Uncertain Significance. This variant has not been reported in the literature in individuals affected with NFAT5-related conditions. This variant is not present in population databases (gnomAD no frequency). This sequence change replaces alanine, which is neutral and non-polar, with threonine, which is neutral and polar, at codon 615 of the NFAT5 protein (p.Ala615Thr).

NM_138713.4(NFAT5):c.2125G>A (p.Ala709Thr)

Gene: NFAT5 (nuclear factor of activated T cells 5; plus strand). Cytogenetic location: 16q22.1.
Variant type: single nucleotide variant.
Coding change: c.2125G>A on transcript NM_138713.4 (MANE Select); coding-DNA position 2125, G replaced by A.
Protein change: p.Ala709Thr; replaces alanine 709 with threonine.
Molecular consequence: missense variant.
Genome position (GRCh38, 1-based): chr16:69,691,950, G>A. VCF-style: chr16-69691950-G-A. GRCh37 (hg19) VCF-style: chr16-69725853-G-A.
Other names: c.2122G>A, p.Ala708Thr (NM_001113178.3); c.1450G>A, p.Ala484Thr (NM_001367709.1); c.2071G>A, p.Ala691Thr (NM_006599.4); c.1843G>A, p.Ala615Thr (NM_138714.4, NM_173214.3, NM_173215.3); short protein forms A691T, A708T, A709T, A484T, A615T.
Identifiers: ClinVar variation 1946131 (VCV001946131.5), dbSNP rs2544229291, ClinGen allele CA396507279.